The following is an entry in ClinVar:

NM_206926.2(SELENON):c.770G>A (p.Arg257Gln)

Gene: SELENON (selenoprotein N; plus strand). Cytogenetic location: 1p36.11.
Variant type: single nucleotide variant.
Coding change: c.770G>A on transcript NM_206926.2 (MANE Select); coding-DNA position 770, G replaced by A.
Protein change: p.Arg257Gln; replaces arginine 257 with glutamine.
Molecular consequence: missense variant.
Genome position (GRCh38, 1-based): chr1:25,809,150, G>A. VCF-style: chr1-25809150-G-A. GRCh37 (hg19) VCF-style: chr1-26135641-G-A.
Other names: NM_020451.3(SELENON):c.872G>A; c.872G>A, p.Arg291Gln (NM_020451.3); short protein forms R291Q, R257Q.
Identifiers: ClinVar variation 280026 (VCV000280026.62), dbSNP rs199564797, ClinGen allele CA696660.

ClinVar aggregate classification (germline): Pathogenic/Likely pathogenic. Review status: criteria provided, multiple submitters, no conflicts (2 of 4 stars). 9 submissions from 9 submitters: Pathogenic (5); Likely pathogenic (4). Last evaluated 2025-10-18.

Conditions:
Congenital myopathy with fiber type disproportion. Also called: Congenital fiber-type disproportion myopathy; Congenital fiber-type disproportion. Identifiers: Orphanet 2020, MedGen C0546264, MONDO:0009711. Inheritance: all.
Eichsfeld type congenital muscular dystrophy (CMYO3). Also called: MYOPATHY, SEPN1-RELATED; SELENON-related myopathy; Congenital myopathy 3 with rigid spine; Rigid spine muscular dystrophy 1. Identifiers: MedGen C0410180, MONDO:0100100, OMIM 602771.

Allele frequency attached by ClinVar (database versions not stated): ExAC 0.00001; gnomAD 0.00001; gnomAD exomes 0.00001; TOPMed 0.00002; ESP Exome Variant Server 0.00008.
gnomAD v4.1: 20 of 1,613,554 alleles (0.0012%); highest among the groups gnomAD compares: African/African-American, 0.0027%; no homozygotes.

Submissions (9):

Labcorp Genetics (formerly Invitae), Labcorp
Classification: Pathogenic for Eichsfeld type congenital muscular dystrophy. Last evaluated: 2025-10-18. Review status: criteria provided, single submitter. Criteria: Invitae Variant Classification Sherloc (09022015). Collection method: clinical testing. Allele origin: germline.
Comment: This sequence change replaces arginine, which is basic and polar, with glutamine, which is neutral and polar, at codon 291 of the SELENON protein (p.Arg291Gln). This variant also falls at the last nucleotide of exon 6, which is part of the consensus splice site for this exon. This variant is present in population databases (rs199564797, gnomAD 0.003%). This missense change has been observed in individual(s) with SELENON-related myopathy (PMID: 21670436; internal data). In at least one individual the data is consistent with being in trans (on the opposite chromosome) from a pathogenic variant. ClinVar contains an entry for this variant (Variation ID: 280026). An algorithm developed to predict the effect of missense changes on protein structure and function (PolyPhen-2) suggests that this variant is likely to be disruptive. Variants that disrupt the consensus splice site are a relatively common cause of aberrant splicing (PMID: 17576681, 9536098). For these reasons, this variant has been classified as Pathogenic.

Fulgent Genetics
Classification: Likely pathogenic for Eichsfeld type congenital muscular dystrophy. Last evaluated: 2024-05-10. Review status: criteria provided, single submitter. Criteria: ACMG Guidelines, 2015. Collection method: clinical testing. Allele origin: germline.

Genomic Medicine Center of Excellence, King Faisal Specialist Hospital and Research Centre
Classification: Pathogenic for Eichsfeld type congenital muscular dystrophy. Last evaluated: 2024-03-26. Review status: criteria provided, single submitter. Criteria: ACMG Guidelines, 2015. Collection method: clinical testing. Allele origin: germline.

Centre of Medical Genetics, University Hospital Muenster
Classification: Likely pathogenic. Last evaluated: 2023-07-20. Review status: criteria provided, single submitter. Criteria: ACMG Guidelines, 2015. Collection method: clinical testing. Allele origin: unknown. Affected: yes. Observed: 1 variant allele, 1 heterozygote.
Comment: ACMG categories: PS1,PM1,PM2,BP1

GeneDx
Classification: Pathogenic. Last evaluated: 2023-05-08. Review status: criteria provided, single submitter. Criteria: GeneDx Variant Classification Process June 2021. Collection method: clinical testing. Allele origin: germline. Affected: yes.
Comment: Not observed at significant frequency in large population cohorts (gnomAD); In silico analysis supports that this missense variant has a deleterious effect on protein structure/function; This variant is associated with the following publications: (PMID: 21670436, 34426522, 32796131, 35368679)

Broad Center for Mendelian Genomics, Broad Institute of MIT and Harvard
Classification: Likely pathogenic. Last evaluated: 2023-01-24. Review status: criteria provided, single submitter. Criteria: ACMG Guidelines, 2015. Collection method: curation. Allele origin: germline. Inheritance: Autosomal recessive inheritance.
Comment: The variant has been reported in 3 individuals with SELENON-RM (PMID: 21670436, Makri 2007, Dragoumi 2019) and has been identified in 0.003% (3/112914) of European (non-Finnish) chromosomes by the Genome Aggregation Database (gnomAD; dbSNP ID: rs199564797). Although this variant has been seen in the general population in a heterozygous state, its frequency is low enough to be consistent with a recessive carrier frequency. This variant has also been reported in ClinVar (Variation ID#: 280026) and has been interpreted as likely pathogenic or pathogenic by Invitae, GeneDx, Undiagnosed Diseases Network (NIH), CeGaT Praxis fuer Humangenetik Tuebingen, Women's Health and Genetics/Laboratory Corporation of America (LabCorp). Of the 3 additional affected individuals, 1 of those was a homozygote, and 1 was a compound heterozygote that carried a reported pathogenic variant with unknown phase, which increases the likelihood that the p.Arg291Gln variant is pathogenic (VariationID: 4492; Makri 2007, Dragoumi 2019). Computational prediction tools and conservation analyses suggest that this variant may impact the protein, though this information is not predictive enough to determine pathogenicity. Multiple variants in the same region as p.Arg291Gln have been reported in association with disease in ClinVar, suggesting that this variant is in a hot spot and slightly supports pathogenicity. In summary, although additional studies are required to fully establish its clinical significance, this variant is likely pathogenic for autosomal recessive SELENON-RM. ACMG/AMP Criteria applied: PM2, PM3, PP3, PM1_supporting (Richards 2015).

Women's Health and Genetics/Laboratory Corporation of America, LabCorp
Classification: Pathogenic for Eichsfeld type congenital muscular dystrophy. Last evaluated: 2021-09-13. Review status: criteria provided, single submitter. Criteria: LabCorp Variant Classification Summary - May 2015. Collection method: clinical testing. Allele origin: germline.
Comment: Variant summary: SELENON c.872G>A (p.Arg291Gln) results in a conservative amino acid change in the encoded protein sequence. Four of five in-silico tools predict a damaging effect of the variant on protein function. Several computational tools predict a significant impact on normal splicing: Four predict the variant weakens a 5' donor site and three also predict the variant creates a cryptic intronic 3 acceptor site. However, these predictions have yet to be confirmed by functional studies. The variant allele was found at a frequency of 1.2e-05 in 249064 control chromosomes (gnomAD). c.872G>A has been reported in the literature in multiple individuals affected with Eichsfeld Type Congenital Muscular Dystrophy (Makri_2007, Scoto_2011, Dragoumi_2019, Villar-Quiles_2020). These data indicate that the variant is very likely to be associated with disease. To our knowledge, no experimental evidence demonstrating an impact on protein function has been reported. Four ClinVar submitters (evaluation after 2014) cite the variant as pathogenic/likely pathogenic. Based on the evidence outlined above, the variant was classified as pathogenic.

CeGaT Center for Human Genetics Tuebingen
Classification: Pathogenic. Last evaluated: 2019-10-01. Review status: criteria provided, single submitter. Criteria: CeGaT Center For Human Genetics Tuebingen Variant Classification Criteria Version 2. Collection method: clinical testing. Allele origin: germline. Affected: yes. Observed: 1 variant allele.

Undiagnosed Diseases Network, NIH
Classification: Likely pathogenic for Eichsfeld type congenital muscular dystrophy; Congenital myopathy 4A, autosomal dominant. Last evaluated: 2019-05-06. Review status: criteria provided, single submitter. Criteria: ACMG Guidelines, 2015. Collection method: clinical testing. Allele origin: unknown. Inheritance: Autosomal recessive inheritance. Affected: yes. Observed: 1 variant allele, 1 compound heterozygote. Study: Undiagnosed Diseases Network (NIH), UDN.

Literature cited by the submitters: PubMed 21670436 (cited by Labcorp Genetics (formerly Invitae), Labcorp and Women's Health and Genetics/Laboratory Corporation of America, LabCorp); PubMed 17576681 (cited by Labcorp Genetics (formerly Invitae), Labcorp); PubMed 9536098 (cited by Labcorp Genetics (formerly Invitae), Labcorp); PubMed 32796131 (cited by Women's Health and Genetics/Laboratory Corporation of America, LabCorp).